The following is an entry in ClinVar:

ClinVar aggregate classification (germline): Uncertain significance (1 of 4 stars; one submission).

Conditions:
Hereditary cancer-predisposing syndrome. Also called: Neoplastic Syndromes, Hereditary; Tumor predisposition; Hereditary Cancer Syndrome; Hereditary neoplastic syndrome. Identifiers: Orphanet 140162, MedGen C0027672, MeSH D009386, MONDO:0015356.

Submission:

Ambry Genetics
Classification: Uncertain significance for Hereditary cancer-predisposing syndrome. Last evaluated: 2019-10-08. Review status: criteria provided, single submitter. Criteria: Ambry Variant Classification Scheme 2023. Collection method: clinical testing. Allele origin: germline.
Comment: The p.H264Y variant (also known as c.790C>T), located in coding exon 4 of the PALB2 gene, results from a C to T substitution at nucleotide position 790. The histidine at codon 264 is replaced by tyrosine, an amino acid with similar properties. This amino acid position is not well conserved in available vertebrate species. In addition, this alteration is predicted to be tolerated by in silico analysis. Since supporting evidence is limited at this time, the clinical significance of this alteration remains unclear.

NM_024675.4(PALB2):c.790C>T (p.His264Tyr)

Gene: PALB2 (partner and localizer of BRCA2; minus strand). Cytogenetic location: 16p12.2.
Variant type: single nucleotide variant.
Coding change: c.790C>T on transcript NM_024675.4 (MANE Select); coding-DNA position 790, C replaced by T.
Protein change: p.His264Tyr; replaces histidine 264 with tyrosine.
Molecular consequence: missense variant.
Genome position (GRCh38, 1-based): chr16:23,635,756, G>A on the plus strand (C>T on the coding strand, the complement: PALB2 is on the minus strand). VCF-style: chr16-23635756-G-A. GRCh37 (hg19) VCF-style: chr16-23647077-G-A.
Other names: c.730C>T, p.His244Tyr (NM_001407296.1); c.790C>T, p.His264Tyr (NM_001407297.1, NM_001407298.1, NM_001407299.1 and 3 more transcripts); c.-96C>T (NM_001407304.1, NM_001407305.1, NM_001407306.1 and 5 more transcripts); short protein forms H264Y, H244Y.
Identifiers: ClinVar variation 1761175 (VCV001761175.2), dbSNP rs1967020660, ClinGen allele CA395136040.